The following is an entry in ClinVar:

ClinVar aggregate classification (germline): Uncertain significance (1 of 4 stars; one submission).

Conditions:
Inborn genetic diseases. Identifiers: MedGen C0950123, MeSH D030342.

Submission:

Ambry Genetics
Classification: Uncertain significance for Inborn genetic diseases. Last evaluated: 2025-05-05. Review status: criteria provided, single submitter. Criteria: Ambry Variant Classification Scheme 2023. Collection method: clinical testing. Allele origin: germline.
Comment: The p.H103Q variant (also known as c.309T>G), located in coding exon 2 of the HAX1 gene, results from a T to G substitution at nucleotide position 309. The histidine at codon 103 is replaced by glutamine, an amino acid with highly similar properties. This amino acid position is conserved. In addition, this alteration is predicted to be tolerated by in silico analysis. Based on the available evidence, the clinical significance of this variant remains unclear.

NM_006118.4(HAX1):c.309T>G (p.His103Gln)

Gene: HAX1 (HCLS1 associated protein X-1; plus strand). Cytogenetic location: 1q21.3.
Variant type: single nucleotide variant.
Coding change: c.309T>G on transcript NM_006118.4 (MANE Select); coding-DNA position 309, T replaced by G.
Protein change: p.His103Gln; replaces histidine 103 with glutamine.
Molecular consequence: missense variant.
Genome position (GRCh38, 1-based): chr1:154,273,591, T>G. VCF-style: chr1-154273591-T-G. GRCh37 (hg19) VCF-style: chr1-154246067-T-G.
Other names: c.165T>G, p.His55Gln (NM_001018837.2); short protein forms H55Q, H103Q.
Identifiers: ClinVar variation 4033854 (VCV004033854.1).